The following is an entry in ClinVar:

ClinVar aggregate classification (germline): Uncertain significance (1 of 4 stars; one submission).

Allele frequency attached by ClinVar (database versions not stated): gnomAD exomes below 0.00001; ExAC 0.00001.
gnomAD v4.1: 1 of 1,613,874 alleles (0.000062%); no homozygotes.

Submission:

Labcorp Genetics (formerly Invitae), Labcorp
Classification: Uncertain significance. Last evaluated: 2022-10-17. Review status: criteria provided, single submitter. Criteria: Invitae Variant Classification Sherloc (09022015). Collection method: clinical testing. Allele origin: germline.
Comment: Algorithms developed to predict the effect of missense changes on protein structure and function (SIFT, PolyPhen-2, Align-GVGD) all suggest that this variant is likely to be disruptive. In summary, the available evidence is currently insufficient to determine the role of this variant in disease. Therefore, it has been classified as a Variant of Uncertain Significance. ClinVar contains an entry for this variant (Variation ID: 970200). This variant has not been reported in the literature in individuals affected with MYO7A-related conditions. This variant is present in population databases (rs748092680, gnomAD 0.0009%). This sequence change replaces phenylalanine, which is neutral and non-polar, with serine, which is neutral and polar, at codon 1624 of the MYO7A protein (p.Phe1624Ser).

NM_000260.4(MYO7A):c.4871T>C (p.Phe1624Ser)

Gene: MYO7A (myosin VIIA; plus strand). Cytogenetic location: 11q13.5.
Variant type: single nucleotide variant.
Coding change: c.4871T>C on transcript NM_000260.4 (MANE Select); coding-DNA position 4871, T replaced by C.
Protein change: p.Phe1624Ser; replaces phenylalanine 1624 with serine.
Molecular consequence: missense variant.
Genome position (GRCh38, 1-based): chr11:77,201,466, T>C. VCF-style: chr11-77201466-T-C. GRCh37 (hg19) VCF-style: chr11-76912511-T-C.
Other names: c.4757T>C, p.Phe1586Ser (NM_001127180.2); c.4724T>C, p.Phe1575Ser (NM_001369365.1); short protein forms F1575S, F1624S, F1586S.
Identifiers: ClinVar variation 970200 (VCV000970200.9), dbSNP rs748092680, ClinGen allele CA6198567.